The following is an entry in ClinVar:

ClinVar aggregate classification (germline): Conflicting classifications of pathogenicity. Review status: criteria provided, conflicting classifications (1 of 4 stars). 7 submissions from 7 submitters: Pathogenic (1); Likely pathogenic (3); Uncertain significance (3). Last evaluated 2025-12-22.

Conditions:
Neurofibromatosis, type 1 (NF1). Also called: Peripheral type neurofibromatosis; Neurofibromatosis, type I; VON RECKLINGHAUSEN DISEASE; NEUROFIBROMATOSIS, TYPE I, SOMATIC. Identifiers: Orphanet 636, MedGen C0027831, MONDO:0018975, OMIM 162200. Disease mechanism: loss of function.
Hereditary cancer-predisposing syndrome. Also called: Neoplastic Syndromes, Hereditary; Hereditary Cancer Syndrome; Tumor predisposition; Hereditary neoplastic syndrome. Identifiers: Orphanet 140162, MedGen C0027672, MeSH D009386, MONDO:0015356.
Cardiovascular phenotype. Identifiers: MedGen CN230736.

Submissions (7):

Labcorp Genetics (formerly Invitae), Labcorp
Classification: Pathogenic for Neurofibromatosis, type 1. Last evaluated: 2025-12-22. Review status: criteria provided, single submitter. Criteria: Invitae Variant Classification Sherloc (09022015). Collection method: clinical testing. Allele origin: germline.
Comment: This sequence change replaces leucine, which is neutral and non-polar, with arginine, which is basic and polar, at codon 90 of the NF1 protein (p.Leu90Arg). This variant is not present in population databases (gnomAD no frequency). This missense change has been observed in individual(s) with neurofibromatosis type 1 (internal data). ClinVar contains an entry for this variant (Variation ID: 547566). Invitae Evidence Modeling of protein sequence and biophysical properties (such as structural, functional, and spatial information, amino acid conservation, physicochemical variation, residue mobility, and thermodynamic stability) indicates that this missense variant is expected to disrupt NF1 protein function with a positive predictive value of 95%. This variant disrupts the p.Leu90 amino acid residue in NF1. Other variant(s) that disrupt this residue have been determined to be pathogenic (PMID: 17426081, 30046999). This suggests that this residue is clinically significant, and that variants that disrupt this residue are likely to be disease-causing. For these reasons, this variant has been classified as Pathogenic.

NHS Central & South Genomic Laboratory Hub
Classification: Likely pathogenic for Neurofibromatosis type 1. Last evaluated: 2025-12-08. Review status: criteria provided, single submitter. Criteria: ACMG Guidelines, 2015. Collection method: clinical testing. Allele origin: germline. Affected: yes.

GeneDx
Classification: Likely pathogenic. Last evaluated: 2023-07-18. Review status: criteria provided, single submitter. Criteria: GeneDx Variant Classification Process June 2021. Collection method: clinical testing. Allele origin: germline.
Comment: Observed in an individual with suspected neurofibromatosis type 1 in published literature (Bianchessi et al., 2020); Not observed at significant frequency in large population cohorts (gnomAD); In silico analysis supports that this missense variant has a deleterious effect on protein structure/function; This variant is associated with the following publications: (PMID: Douben2023[Functional study], 32575496, 30046999, 17426081)

Ambry Genetics
Classification: Uncertain significance for Cardiovascular phenotype; Hereditary cancer-predisposing syndrome. Last evaluated: 2023-05-12. Review status: criteria provided, single submitter. Criteria: Ambry Variant Classification Scheme 2023. Collection method: clinical testing. Allele origin: germline.
Comment: The p.L90R variant (also known as c.269T>G), located in coding exon 3 of the NF1 gene, results from a T to G substitution at nucleotide position 269. The leucine at codon 90 is replaced by arginine, an amino acid with dissimilar properties. This variant was identified in a cohort of patients, who were referred for suspected Neurofibromatosis Type 1 (NF1) (Bianchessi D et al. Genes (Basel), 2020 Jun;11:671). This amino acid position is highly conserved in available vertebrate species. In addition, this alteration is predicted to be deleterious by in silico analysis. Since supporting evidence is limited at this time, the clinical significance of this alteration remains unclear.

Institute of Human Genetics, University of Leipzig Medical Center
Classification: Likely pathogenic for Neurofibromatosis, type 1. Last evaluated: 2022-04-11. Review status: criteria provided, single submitter. Criteria: ACMG Guidelines, 2015. Collection method: clinical testing. Allele origin: unknown. Affected: yes.
Comment: _x000D_ Criteria applied: PM5_STR, PS4_SUP, PM2_SUP, PP2, PP3

Athena Diagnostics
Classification: Uncertain significance. Last evaluated: 2021-10-22. Review status: criteria provided, single submitter. Criteria: Athena Diagnostics Criteria. Collection method: clinical testing. Allele origin: unknown.

Center for Human Genetics, Inc
Classification: Uncertain significance for Neurofibromatosis, type 1. Last evaluated: 2016-11-01. Review status: criteria provided, single submitter. Criteria: ACMG Guidelines, 2015. Collection method: clinical testing. Allele origin: germline. Affected: yes.

Literature cited by the submitters: PubMed 17426081 (cited by Labcorp Genetics (formerly Invitae), Labcorp); PubMed 30046999 (cited by Labcorp Genetics (formerly Invitae), Labcorp); PubMed 32575496 (cited by Athena Diagnostics).

NM_001042492.3(NF1):c.269T>G (p.Leu90Arg)

Gene: NF1 (neurofibromin 1; plus strand). Cytogenetic location: 17q11.2.
Variant type: single nucleotide variant.
Coding change: c.269T>G on transcript NM_001042492.3 (MANE Select); coding-DNA position 269, T replaced by G.
Protein change: p.Leu90Arg; replaces leucine 90 with arginine.
Molecular consequence: missense variant.
Genome position (GRCh38, 1-based): chr17:31,159,074, T>G. VCF-style: chr17-31159074-T-G. GRCh37 (hg19) VCF-style: chr17-29486092-T-G.
Other names: c.269T>G, p.Leu90Arg (NM_000267.4, NM_001128147.3); short protein forms L90R.
Identifiers: ClinVar variation 547566 (VCV000547566.11), dbSNP rs1555605393, ClinGen allele CA398989777.